The following is an entry in ClinVar:

NM_002457.5(MUC2):c.2260C>T (p.Leu754=)

Gene: MUC2 (mucin 2, oligomeric mucus/gel-forming; plus strand). Cytogenetic location: 11p15.5.
Variant type: single nucleotide variant.
Coding change: c.2260C>T on transcript NM_002457.5 (MANE Select); coding-DNA position 2260, C replaced by T.
Protein change: p.Leu754=; no amino-acid change (leucine 754 retained).
Molecular consequence: synonymous variant.
Genome position (GRCh38, 1-based): chr11:1,085,594, C>T. VCF-style: chr11-1085594-C-T. GRCh37 (hg19) VCF-style: chr11-1083590-C-T.
Identifiers: ClinVar variation 2641123 (VCV002641123.24), dbSNP rs555036307, ClinGen allele CA5798913.
Genomic context (GRCh38, chr11:1,085,594, plus strand): 5'-ATCCCTGGCCTTTTCCACAGTGTGTGCCGGGATGGGCGGCTGCACTGTAGGCAGATCCGG[C>T]TGATCGGCCAGAGTAAGTGGCACTGCCCCGGCCACCCCTCCCCAGCCACCCCTCCCTGCC-3'
Protein context (NP_002448.5, residues 744-764): DGRLHCRQIR[Leu754=]IGQSCTAPKI

ClinVar aggregate classification (germline): Likely benign (1 of 4 stars; one submission).

Allele frequency attached by ClinVar (database versions not stated): gnomAD exomes 0.00008; gnomAD 0.00009; TOPMed 0.00022; ExAC 0.00035; 1000 Genomes Project 0.00080; 1000 Genomes Project 30x 0.00094.

Submission:

CeGaT Center for Human Genetics Tuebingen
Classification: Likely benign. Last evaluated: 2022-12-01. Review status: criteria provided, single submitter. Criteria: CeGaT Center For Human Genetics Tuebingen Variant Classification Criteria Version 2. Collection method: clinical testing. Allele origin: germline. Affected: yes. Observed: 1 variant allele.
Comment: MUC2: BP4, BP7